The following is an entry in ClinVar:

ClinVar aggregate classification (germline): Likely benign. Review status: criteria provided, multiple submitters, no conflicts (2 of 4 stars). 2 submissions from 2 submitters: Likely benign (2). Last evaluated 2026-03-01.

Conditions:
Primary ciliary dyskinesia. Also called: Ciliary dyskinesia. Identifiers: Orphanet 244, MedGen C0008780, MONDO:0016575, HP:0012265.

Allele frequency attached by ClinVar (database versions not stated): ESP Exome Variant Server 0.00008.
gnomAD v4.1: 55 of 1,613,364 alleles (0.0034%); highest among the groups gnomAD compares: Middle Eastern, 0.016%; no homozygotes.

Submissions (2):

CeGaT Center for Human Genetics Tuebingen
Classification: Likely benign. Last evaluated: 2026-03-01. Review status: criteria provided, single submitter. Criteria: CeGaT Center For Human Genetics Tuebingen Variant Classification Criteria Version 2. Collection method: clinical testing. Allele origin: germline. Affected: yes. Observed: 1 variant allele.
Comment: ODAD1: BP4, BP7

Labcorp Genetics (formerly Invitae), Labcorp
Classification: Likely benign for Primary ciliary dyskinesia. Last evaluated: 2025-11-09. Review status: criteria provided, single submitter. Criteria: Invitae Variant Classification Sherloc (09022015). Collection method: clinical testing. Allele origin: germline.

NM_001364171.2(ODAD1):c.2004C>T (p.Ser668=)

Gene: ODAD1 (outer dynein arm docking complex subunit 1; minus strand). Cytogenetic location: 19q13.33.
Variant type: single nucleotide variant.
Coding change: c.2004C>T on transcript NM_001364171.2 (MANE Select); coding-DNA position 2004, C replaced by T.
Protein change: p.Ser668=; no amino-acid change (serine 668 retained).
Molecular consequence: synonymous variant.
Genome position (GRCh38, 1-based): chr19:48,297,096, G>A on the plus strand (C>T on the coding strand, the complement: ODAD1 is on the minus strand). VCF-style: chr19-48297096-G-A. GRCh37 (hg19) VCF-style: chr19-48800353-G-A.
Other names: c.1893C>T, p.Ser631= (NM_144577.4).
Identifiers: ClinVar variation 3014760 (VCV003014760.7), dbSNP rs181011260, ClinGen allele CA9548511.
Genomic context (GRCh38, chr19:48,297,096, plus strand): 5'-GCTGGAGACGTGGTCTCTGCTGGACCCGAGGCCTCCGCTCGAATCAGACGCTGTGCCTCC[G>A]CTCTCCACACCACCCTCTGTGTTTTCTCCGCCCCTGCTGGACCCCACGTATCCAGTGGAG-3'
Protein context (NP_001351100.1, residues 658-678): GGENTEGGVE[Ser668=]GGTASDSSGG